The following is an entry in ClinVar:

ClinVar aggregate classification (germline): Pathogenic. Review status: criteria provided, multiple submitters, no conflicts (2 of 4 stars). 5 submissions from 5 submitters: Pathogenic (3). 2 of the submissions do not count toward it. Last evaluated 2025-11-22.

Conditions:
Usher syndrome. Also called: Usher Syndromes; Usher's syndrome. Identifiers: Orphanet 886, MedGen CN469326, MeSH D052245, MONDO:0019501. Disease mechanism: loss of function.

Allele frequency attached by ClinVar (database versions not stated): gnomAD exomes below 0.00001 and 0.00001; TOPMed below 0.00001; ExAC 0.00001; gnomAD 0.00003.
gnomAD v4.1: 7 of 1,605,082 alleles (0.00044%); highest among the groups gnomAD compares: Admixed American, 0.0017%; no homozygotes.

Submissions (5):

Labcorp Genetics (formerly Invitae), Labcorp
Classification: Pathogenic. Last evaluated: 2025-11-22. Review status: criteria provided, single submitter. Criteria: Invitae Variant Classification Sherloc (09022015). Collection method: clinical testing. Allele origin: germline.
Comment: This sequence change creates a premature translational stop signal (p.Ser955*) in the ADGRV1 gene. It is expected to result in an absent or disrupted protein product. Loss-of-function variants in ADGRV1 are known to be pathogenic (PMID: 19357117, 22135276, 22147658, 26226137, 30718709, 31047384, 32467589). This variant is present in population databases (rs746618021, gnomAD 0.003%). This premature translational stop signal has been observed in individual(s) with Usher syndrome or nonsyndromic hearing loss (PMID: 24498627, 27068579). ClinVar contains an entry for this variant (Variation ID: 817512). For these reasons, this variant has been classified as Pathogenic.

GeneDx
Classification: Pathogenic. Last evaluated: 2024-12-26. Review status: criteria provided, single submitter. Criteria: GeneDx Variant Classification Process June 2021. Collection method: clinical testing. Allele origin: germline. Affected: yes.
Comment: Nonsense variant predicted to result in protein truncation or nonsense mediated decay in a gene for which loss of function is a known mechanism of disease; Not observed at significant frequency in large population cohorts (gnomAD); This variant is associated with the following publications: (PMID: Clays2022[Poster], 24498627, 27068579, 36909829, 38189974, 31964843)

Ophthalmic Genetics Group, Institute of Molecular and Clinical Ophthalmology Basel
Classification: Pathogenic for Usher syndrome. Last evaluated: 2023-07-24. Review status: criteria provided, single submitter. Criteria: ACMG Guidelines, 2015. Collection method: research. Allele origin: germline. Affected: yes. Observed: 1 variant allele.
Comment: Clinical significance based on ACMG v2.0

This variant was classified as Pathogenic based on ACMG criteria: PVS1, PM2, PP5.

Clinical Genetics DNA and cytogenetics Diagnostics Lab, Erasmus MC, Erasmus Medical Center
Classification: Pathogenic. Review status: no assertion criteria provided. Collection method: clinical testing. Allele origin: germline. Affected: yes. Study: VKGL Data-share Consensus. Not counted in ClinVar's aggregate classification.

Joint Genome Diagnostic Labs from Nijmegen and Maastricht, Radboudumc and MUMC+
Classification: Pathogenic. Review status: no assertion criteria provided. Collection method: clinical testing. Allele origin: germline. Affected: yes. Study: VKGL Data-share Consensus. Not counted in ClinVar's aggregate classification.

Literature cited by the submitters: PubMed 19357117 (cited by Labcorp Genetics (formerly Invitae), Labcorp); PubMed 22135276 (cited by Labcorp Genetics (formerly Invitae), Labcorp); PubMed 22147658 (cited by Labcorp Genetics (formerly Invitae), Labcorp); PubMed 26226137 (cited by Labcorp Genetics (formerly Invitae), Labcorp); PubMed 30718709 (cited by Labcorp Genetics (formerly Invitae), Labcorp); PubMed 31047384 (cited by Labcorp Genetics (formerly Invitae), Labcorp); PubMed 32467589 (cited by Labcorp Genetics (formerly Invitae), Labcorp); PubMed 24498627 (cited by Labcorp Genetics (formerly Invitae), Labcorp); PubMed 27068579 (cited by Labcorp Genetics (formerly Invitae), Labcorp); PubMed 36909829 (cited by Ophthalmic Genetics Group, Institute of Molecular and Clinical Ophthalmology Basel).

NM_032119.4(ADGRV1):c.2864C>A (p.Ser955Ter)

Gene: ADGRV1 (adhesion G protein-coupled receptor V1; plus strand). Cytogenetic location: 5q14.3.
Variant type: single nucleotide variant.
Coding change: c.2864C>A on transcript NM_032119.4 (MANE Select); coding-DNA position 2864, C replaced by A.
Protein change: p.Ser955Ter; replaces serine 955 with a stop codon.
Molecular consequence: nonsense. On other transcripts: non-coding transcript variant (1).
Genome position (GRCh38, 1-based): chr5:90,644,835, C>A. VCF-style: chr5-90644835-C-A. GRCh37 (hg19) VCF-style: chr5-89940652-C-A.
Other names: NP_115495.3:p.(Ser955Ter); short protein forms S955*.
Identifiers: ClinVar variation 817512 (VCV000817512.14), dbSNP rs746618021, ClinGen allele CA3339031.
Genomic context (GRCh38, chr5:90,644,835, plus strand): 5'-ACTTTACACAAGATGTATTTCCTGTACAAGGGACTGTTGTCTTTGGAGATCAGGAATTTT[C>A]AAAAAATATCACCATTTACTCCCTTCCAGATGAGGTAAATATTGCATATAACTTTCTGCC-3'